The following is an entry in ClinVar:

ClinVar aggregate classification (germline): Uncertain significance (1 of 4 stars; one submission).

Submission:

Labcorp Genetics (formerly Invitae), Labcorp
Classification: Uncertain significance. Last evaluated: 2024-03-17. Review status: criteria provided, single submitter. Criteria: Invitae Variant Classification Sherloc (09022015). Collection method: clinical testing. Allele origin: germline.
Comment: This sequence change replaces tryptophan, which is neutral and slightly polar, with serine, which is neutral and polar, at codon 1345 of the POLA1 protein (p.Trp1345Ser). This variant is not present in population databases (gnomAD no frequency). This variant has not been reported in the literature in individuals affected with POLA1-related conditions. Advanced modeling of protein sequence and biophysical properties (such as structural, functional, and spatial information, amino acid conservation, physicochemical variation, residue mobility, and thermodynamic stability) has been performed at Invitae for this missense variant, however the output from this modeling did not meet the statistical confidence thresholds required to predict the impact of this variant on POLA1 protein function. In summary, the available evidence is currently insufficient to determine the role of this variant in disease. Therefore, it has been classified as a Variant of Uncertain Significance.

NM_001330360.2(POLA1):c.4052G>C (p.Trp1351Ser)

Gene: POLA1 (DNA polymerase alpha 1, catalytic subunit; plus strand). Cytogenetic location: Xp22.11.
Variant type: single nucleotide variant.
Coding change: c.4052G>C on transcript NM_001330360.2 (MANE Select); coding-DNA position 4052, G replaced by C.
Protein change: p.Trp1351Ser; replaces tryptophan 1351 with serine.
Molecular consequence: missense variant. On other transcripts: non-coding transcript variant (2).
Genome position (GRCh38, 1-based): chrX:24,888,010, G>C. VCF-style: chrX-24888010-G-C. GRCh37 (hg19) VCF-style: chrX-24906127-G-C.
Other names: c.3977G>C, p.Trp1326Ser (NM_001378303.1); c.4034G>C, p.Trp1345Ser (NM_016937.4); short protein forms W1326S, W1345S, W1351S.
Identifiers: ClinVar variation 3683422 (VCV003683422.2).
Genomic context (GRCh38, chrX:24,888,010, plus strand): 5'-GTTTATTACTTGTATTTGTCGATGGTGATAAGTCTGAAGTTTTCCCTTCTCTCCAGGGCT[G>C]GTTGATATGTGAAGAGCCAACCTGTCGCAATCGAACTCGTCACCTTCCCCTTCAATTCTC-3'
Protein context (NP_001317289.1, residues 1341-1361): RRFIKKYYDG[Trp1351Ser]LICEEPTCRN